The following is an entry in ClinVar:

ClinVar aggregate classification (germline): Likely pathogenic. Review status: criteria provided, multiple submitters, no conflicts (2 of 4 stars). 3 submissions from 3 submitters: Likely pathogenic (2). 1 of the submissions does not count toward it. Last evaluated 2021-08-21.

Conditions:
Charcot-Marie-Tooth disease, type I (CMT1). Also called: Charcot-Marie-Tooth, Type 1; Charcot-Marie-Tooth disease type 1. Identifiers: Orphanet 65753, MedGen C0751036, MONDO:0019011.
Charcot-Marie-Tooth disease type 1B. Also called: PERONEAL MUSCULAR ATROPHY; CHARCOT-MARIE-TOOTH DISEASE, AUTOSOMAL DOMINANT, WITH FOCALLY FOLDED MYELIN SHEATHS, TYPE 1B; CHARCOT-MARIE-TOOTH DISEASE, SLOW NERVE CONDUCTION TYPE, LINKED TO DUFFY; CHARCOT-MARIE-TOOTH NEUROPATHY, TYPE 1B; HEREDITARY MOTOR AND SENSORY NEUROPATHY I; HEREDITARY MOTOR AND SENSORY NEUROPATHY IB. Identifiers: Orphanet 101082, MedGen C0270912, MONDO:0007307, OMIM 118200.

Allele frequency attached by ClinVar (database versions not stated): gnomAD exomes below 0.00001.
gnomAD v4.1: 1 of 1,614,038 alleles (0.000062%); highest among the groups gnomAD compares: Non-Finnish European, 0.000085%; no homozygotes.

Submissions (3):

Labcorp Genetics (formerly Invitae), Labcorp
Classification: Likely pathogenic for Charcot-Marie-Tooth disease, type I. Last evaluated: 2021-08-21. Review status: criteria provided, single submitter. Criteria: Invitae Variant Classification Sherloc (09022015). Collection method: clinical testing. Allele origin: germline.
Comment: Experimental studies have shown that this variant does not substantially affect MPZ protein function (PMID: 29687021). This sequence change replaces glycine with serine at codon 137 of the MPZ protein (p.Gly137Ser). The glycine residue is highly conserved and there is a small physicochemical difference between glycine and serine. This variant is not present in population databases (ExAC no frequency). This variant has been observed in individual(s) with Charcot-Marie-Tooth disease (PMID: 8664899, 11545686, 26310628, Invitae). ClinVar contains an entry for this variant (Variation ID: 14173). This variant disrupts the p.Gly137 amino acid residue in MPZ. Other variant(s) that disrupt this residue have been observed in individuals with MPZ-related conditions (PMID: 21326314, 24053775), which suggests that this may be a clinically significant amino acid residue. In summary, the currently available evidence indicates that the variant is pathogenic, but additional data are needed to prove that conclusively. Therefore, this variant has been classified as Likely Pathogenic.

Athena Diagnostics
Classification: Likely pathogenic. Last evaluated: 2017-11-06. Review status: criteria provided, single submitter. Criteria: Athena Diagnostics Criteria. Collection method: clinical testing. Allele origin: germline.

OMIM
Classification: Pathogenic for CHARCOT-MARIE-TOOTH DISEASE, TYPE 1B. Last evaluated: 1996-01-01. Review status: no assertion criteria provided. Collection method: literature only. Allele origin: germline. Not counted in ClinVar's aggregate classification.

Literature cited by the submitters: PubMed 29687021 (cited by Labcorp Genetics (formerly Invitae), Labcorp); PubMed 8664899 (cited by 3 submitters); PubMed 11545686 (cited by Labcorp Genetics (formerly Invitae), Labcorp); PubMed 26310628 (cited by Labcorp Genetics (formerly Invitae), Labcorp and Athena Diagnostics); PubMed 21326314 (cited by Labcorp Genetics (formerly Invitae), Labcorp); PubMed 24053775 (cited by Labcorp Genetics (formerly Invitae), Labcorp); PubMed 18636082 (cited by Athena Diagnostics); PubMed 26135405 (cited by Athena Diagnostics).

NM_000530.8(MPZ):c.409G>A (p.Gly137Ser)

Gene: MPZ (myelin protein zero; minus strand). Cytogenetic location: 1q23.3.
Variant type: single nucleotide variant.
Coding change: c.409G>A on transcript NM_000530.8 (MANE Select); coding-DNA position 409, G replaced by A.
Protein change: p.Gly137Ser; replaces glycine 137 with serine.
Molecular consequence: missense variant.
Genome position (GRCh38, 1-based): chr1:161,306,747, C>T on the plus strand (G>A on the coding strand, the complement: MPZ is on the minus strand). VCF-style: chr1-161306747-C-T. GRCh37 (hg19) VCF-style: chr1-161276537-C-T.
Other names: c.409G>A, p.Gly137Ser (LRG_256t1, NM_001315491.2); short protein forms G137S.
Identifiers: ClinVar variation 14173 (VCV000014173.9), dbSNP rs121913588, ClinGen allele CA257148.